The following is an entry in ClinVar:

ClinVar aggregate classification (germline): Pathogenic (1 of 4 stars; one submission).

Conditions:
Developmental and epileptic encephalopathy, 8 (DEE8). Also called: HYPEREKPLEXIA AND EPILEPSY. Identifiers: Orphanet 163985, Orphanet 2076, MedGen C1845102, MONDO:0010375, OMIM 300607.

Submission:

Variantyx, Inc.
Classification: Pathogenic for Developmental and epileptic encephalopathy, 8. Last evaluated: 2025-09-04. Review status: criteria provided, single submitter. Criteria: Variantyx Assertion Criteria 2022. Collection method: clinical testing. Allele origin: maternal. Inheritance: X-linked inheritance.
Comment: This is a frameshift variant in the ARHGEF9 gene (OMIM: 300429). Pathogenic variants in this gene have been associated with X-linked developmental and epileptic encephalopathy 8. This variant introduces a premature termination codon in exon 8 out of 10 and is expected to result in loss of function, which is a known disease mechanism for ARHGEF9 in this disorder (PMID: 18615734, 21633362, 25898924, 28589176) (PVS1). This variant is absent from control populations (PM2) and has not been reported in individuals with ARHGEF9-related disorders in the databases available for review. Based on the current evidence, this variant is classified as pathogenic for X-linked developmental and epileptic encephalopathy 8.

Literature cited by the submitters: PubMed 18615734; PubMed 21633362; PubMed 25898924; PubMed 28589176.

NM_001353921.2(ARHGEF9):c.1099del (p.Leu367fs)

Gene: ARHGEF9 (Cdc42 guanine nucleotide exchange factor 9; minus strand). Cytogenetic location: Xq11.1.
Variant type: Deletion.
Coding change: c.1099del on transcript NM_001353921.2 (MANE Select); coding-DNA position 1099, one base deleted (C; older notation c.1099delC).
Protein change: p.Leu367fs; shifts the reading frame from leucine 367.
Molecular consequence: frameshift variant. On other transcripts: intron variant (2).
Genome position (GRCh38, 1-based): chrX:63,655,716, G deleted on the plus strand (C on the coding strand, the reverse complement: ARHGEF9 is on the minus strand); the first of 2 consecutive G bases (chrX:63,655,716-63,655,717); deleting either gives the same sequence. VCF-style (leftmost placement, unchanged base first): chrX-63655715-AG-A. GRCh37 (hg19) VCF-style: chrX-62875595-AG-A.
Other names: c.919del, p.Leu307fs (NM_001173479.2); c.772del, p.Leu258fs (NM_001173480.2, NM_001369042.1); c.1015del, p.Leu339fs (NM_001330495.2, NM_001369033.1, NM_001369034.1 and 4 more transcripts); c.967del, p.Leu323fs (NM_001353922.2); c.1117del, p.Leu373fs (NM_001353923.1); c.898del, p.Leu300fs (NM_001353924.2, NM_001353926.2, NM_001369039.1 and 1 more transcripts); c.883del, p.Leu295fs (NM_001353927.2, NM_001369041.1); c.946del, p.Leu316fs (NM_001353928.2); and 3 more; short protein forms L178fs, L295fs, L307fs, L258fs, L360fs, L300fs, L339fs, L367fs.
Identifiers: ClinVar variation 4795916 (VCV004795916.1).